The following is an entry in ClinVar:

NM_001165963.4(SCN1A):c.3718_3729del (p.Ile1240_Asp1243del)

Genes: SCN1A (sodium voltage-gated channel alpha subunit 1; minus strand), LOC102724058 (uncharacterized LOC102724058; plus strand). Cytogenetic location: 2q24.3.
Variant type: Deletion.
Coding change: c.3718_3729del on transcript NM_001165963.4 (MANE Select); coding-DNA positions 3718 to 3729, 12 bases deleted (ATATATATTGAT).
Protein change: p.Ile1240_Asp1243del.
Molecular consequence: inframe deletion. On other transcripts: non-coding transcript variant (1).
Genome position (GRCh38, 1-based): chr2:166,012,259-166,012,270, ATCAATATATAT deleted on the plus strand (ATATATATTGAT on the coding strand, the reverse complement: SCN1A is on the minus strand); deleting any 12 consecutive bases within chr2:166,012,259-166,012,273 gives the same sequence; the c. name uses the placement nearest the transcript's 3' end. VCF-style (leftmost placement, unchanged base first): chr2-166012258-GATCAATATATAT-G. GRCh37 (hg19) VCF-style: chr2-166868768-GATCAATATATAT-G.
Other names: c.3634_3645del, p.Ile1212_Asp1215del (NM_001165964.3, NM_001353957.2, NM_001353958.2); c.3718_3729del, p.Ile1240_Asp1243del (NM_001202435.3, NM_001353948.2); c.3685_3696del, p.Ile1229_Asp1232del (NM_001353949.2, NM_001353950.2, NM_001353951.2 and 2 more transcripts); c.3682_3693del, p.Ile1228_Asp1231del (NM_001353954.2, NM_001353955.2); c.3631_3642del, p.Ile1211_Asp1214del (NM_001353960.2); c.1276_1287del, p.Ile426_Asp429del (NM_001353961.2).
Identifiers: ClinVar variation 643952 (VCV000643952.15), dbSNP rs1574052546, ClinGen allele CA915942885.
Genomic context (GRCh38, chr2:166,012,258, plus strand): 5'-TGAAAATGTAAGTGAAAACCTTGTCAGCATATTCCAACATCGTCTTAATCGTCTTTCGCT[GATCAATATATAT>G]ATCTTCAAATGCCTATAAAGAAAATGTTACACATTATTAGCTTTCAAAAATAATTATACT-3'

ClinVar aggregate classification (germline): Conflicting classifications of pathogenicity. Review status: criteria provided, conflicting classifications (1 of 4 stars). 3 submissions from 3 submitters: Pathogenic (1); Uncertain significance (2). Last evaluated 2023-07-14.

Conditions:
Early-infantile DEE. Also called: Early infantile epileptic encephalopathy; Early infantile epileptic encephalopathy with suppression bursts; Ohtahara syndrome. Identifiers: Orphanet 1934, MedGen C0393706, MONDO:0800491.
Generalized epilepsy with febrile seizures plus, type 2 (GEFSP2). Also called: GEFS+, TYPE 2. Identifiers: Orphanet 36387, MedGen C1858673, MONDO:0011461, OMIM 604403.
Severe myoclonic epilepsy in infancy (DRVT). Also called: SEVERE MYOCLONIC EPILEPSY OF INFANCY; DEVELOPMENTAL AND EPILEPTIC ENCEPHALOPATHY 6A; Epileptic encephalopathy, early infantile, 6 (Dravet syndrome); Dravet syndrome; Severe Myoclonic Epilepsy in Infancy (SMEI). Identifiers: Orphanet 33069, MedGen C0751122, MONDO:0100135, OMIM 607208.
Inborn genetic diseases. Identifiers: MedGen C0950123, MeSH D030342.

Submissions (3):

Labcorp Genetics (formerly Invitae), Labcorp
Classification: Pathogenic for Early-infantile DEE. Last evaluated: 2023-07-14. Review status: criteria provided, single submitter. Criteria: Invitae Variant Classification Sherloc (09022015). Collection method: clinical testing. Allele origin: germline.
Comment: This variant is not present in population databases (gnomAD no frequency). This variant, c.3718_3729del, results in the deletion of 4 amino acid(s) of the SCN1A protein (p.Ile1240_Asp1243del), but otherwise preserves the integrity of the reading frame. This variant has been observed in individual(s) with early infantile epileptic encephalopathy (Invitae). For these reasons, this variant has been classified as Pathogenic. This variant disrupts a region of the SCN1A protein in which other variant(s) (p.Tyr1241His) have been determined to be pathogenic (PMID: 28012175). This suggests that this is a clinically significant region of the protein, and that variants that disrupt it are likely to be disease-causing. ClinVar contains an entry for this variant (Variation ID: 643952).

New York Genome Center
Classification: Uncertain significance for Generalized epilepsy with febrile seizures plus, type 2; Severe myoclonic epilepsy in infancy. Last evaluated: 2019-12-15. Review status: criteria provided, single submitter. Criteria: NYGC Assertion Criteria 2020. Collection method: clinical testing. Allele origin: inherited. Observed: 1 heterozygote. Study: CSER-NYCKidSeq.
Comment: The c.3718_3729del (p.Ile1240_Asp1243del) variant identified is a small deletion that removes 12 nucleotides (4 amino acids) within exon 22/29 which preserves the reading frame of the transcript.This variant is also referred to as c.3685_3696del (p.Ile1229_Asp1232del) in the SCN1A transcript NM_006920.6. This region is well conserved and this variant is absent from gnomAD, suggesting it is not a common benign variant in the populations represented in this database. This variant is reported in ClinVar as a Variant of Uncertain Significance (VarID:643952), and is reported there by a clinical lab as being observed in an individual affected with early infantile epileptic encephalopathy. To our current knowledge this variant has not been reported in affected individuals in the literature.

Ambry Genetics
Classification: Uncertain significance for Inborn genetic diseases. Last evaluated: 2018-01-18. Review status: criteria provided, single submitter. Criteria: Ambry Variant Classification Scheme 2023. Collection method: clinical testing. Allele origin: germline.
Comment: The c.3718_3729del12 variant (also known as p.I1240_D1243del) is located in coding exon 19 of the SCN1A gene. This variant results from an in-frame ATATATATTGAT deletion at nucleotide positions 3718 to 3729. This results in the in-frame deletion of four amino acids between codons 1240 and 1243. These amino acid positions are well conserved in available vertebrate species. In addition, this alteration is predicted to be deleterious by in silico analysis (Choi Y et al., PLoS ONE 2012; 7(10):e46688). Since supporting evidence is limited at this time, the clinical significance of this alteration remains unclear.

Literature cited by the submitters: PubMed 28012175 (cited by Labcorp Genetics (formerly Invitae), Labcorp).